The following is an entry in ClinVar:

ClinVar aggregate classification (germline): Uncertain significance. Review status: criteria provided, multiple submitters, no conflicts (2 of 4 stars). 3 submissions from 3 submitters: Uncertain significance (3). Last evaluated 2025-12-04.

Conditions:
Inborn genetic diseases. Identifiers: MedGen C0950123, MeSH D030342.
Landau-Kleffner syndrome (FESD). Also called: EPILEPSY, FOCAL, WITH SPEECH DISORDER AND WITH OR WITHOUT MENTAL RETARDATION; APHASIA, ACQUIRED, WITH EPILEPSY. Identifiers: Orphanet 1945, Orphanet 725, Orphanet 98818, MedGen C0282512, MONDO:0009509, OMIM 245570.

Submissions (3):

Ambry Genetics
Classification: Uncertain significance for Inborn genetic diseases. Last evaluated: 2025-12-04. Review status: criteria provided, single submitter. Criteria: Ambry Variant Classification Scheme 2023. Collection method: clinical testing. Allele origin: germline.

CeGaT Center for Human Genetics Tuebingen
Classification: Uncertain significance. Last evaluated: 2025-12-01. Review status: criteria provided, single submitter. Criteria: CeGaT Center For Human Genetics Tuebingen Variant Classification Criteria Version 2. Collection method: clinical testing. Allele origin: germline. Affected: yes. Observed: 1 variant allele.
Comment: GRIN2A: PM2

Centre for Mendelian Genomics, University Medical Centre Ljubljana
Classification: Uncertain significance for Landau-Kleffner syndrome. Last evaluated: 2019-04-23. Review status: criteria provided, single submitter. Criteria: ACMG Guidelines, 2015. Collection method: clinical testing. Allele origin: unknown. Affected: yes.
Comment: This variant was classified as: Uncertain significance. The available evidence on this variant's pathogenicity is insufficient or conflicting. The following ACMG criteria were applied in classifying this variant: PM2.

NM_001134407.3(GRIN2A):c.3705G>C (p.Lys1235Asn)

Gene: GRIN2A (glutamate ionotropic receptor NMDA type subunit 2A; minus strand). Cytogenetic location: 16p13.2.
Variant type: single nucleotide variant.
Coding change: c.3705G>C on transcript NM_001134407.3 (MANE Select); coding-DNA position 3705, G replaced by C.
Protein change: p.Lys1235Asn; replaces lysine 1235 with asparagine.
Molecular consequence: missense variant.
Genome position (GRCh38, 1-based): chr16:9,763,839, C>G on the plus strand (G>C on the coding strand, the complement: GRIN2A is on the minus strand). VCF-style: chr16-9763839-C-G. GRCh37 (hg19) VCF-style: chr16-9857696-C-G.
Other names: c.3705G>C (NM_000833.3); c.3705G>C, p.Lys1235Asn (NM_000833.5, NM_001134408.2); short protein forms K1235N.
Identifiers: ClinVar variation 930449 (VCV000930449.8), dbSNP rs1029138195, ClinGen allele CA277536739.